The following is an entry in ClinVar:

NM_002788.4(PSMA3):c.228+6G>T

Gene: PSMA3 (proteasome 20S subunit alpha 3; plus strand). Cytogenetic location: 14q23.1.
Variant type: single nucleotide variant.
Coding change: c.228+6G>T on transcript NM_002788.4 (MANE Select); 6 bases into the intron after coding-DNA position 228, G replaced by T.
Molecular consequence: intron variant.
Genome position (GRCh38, 1-based): chr14:58,252,248, G>T. VCF-style: chr14-58252248-G-T. GRCh37 (hg19) VCF-style: chr14-58718966-G-T.
Other names: c.228+6G>T (NM_152132.3).
Identifiers: ClinVar variation 2054663 (VCV002054663.4), dbSNP rs759700275, ClinGen allele CA7203690.
Genomic context (GRCh38, chr14:58,252,248, plus strand): 5'-TTATGAAGAAGGTTCCAACAAAAGACTTTTTAATGTTGATCGGCATGTTGGAATGGTAAG[G>T]TCATGTTTAAAATGTTCCTTTTTGTCTTGTCCAATTTCTTTTGAAGTAACTGATTGGAAT-3'

ClinVar aggregate classification (germline): Uncertain significance (1 of 4 stars; one submission).

Allele frequency attached by ClinVar (database versions not stated): TOPMed below 0.00001; ExAC 0.00003.
gnomAD v4.1: 10 of 1,603,812 alleles (0.00062%); highest among the groups gnomAD compares: Admixed American, 0.0053%; no homozygotes.

Submission:

Labcorp Genetics (formerly Invitae), Labcorp
Classification: Uncertain significance. Last evaluated: 2022-07-03. Review status: criteria provided, single submitter. Criteria: Invitae Variant Classification Sherloc (09022015). Collection method: clinical testing. Allele origin: germline.
Comment: In summary, the available evidence is currently insufficient to determine the role of this variant in disease. Therefore, it has been classified as a Variant of Uncertain Significance. Variants that disrupt the consensus splice site are a relatively common cause of aberrant splicing (PMID: 17576681, 9536098). Algorithms developed to predict the effect of sequence changes on RNA splicing suggest that this variant is not likely to affect RNA splicing. This variant has not been reported in the literature in individuals affected with PSMA3-related conditions. This variant is present in population databases (rs759700275, gnomAD 0.01%). This sequence change falls in intron 3 of the PSMA3 gene. It does not directly change the encoded amino acid sequence of the PSMA3 protein. It affects a nucleotide within the consensus splice site.

Literature cited by the submitters: PubMed 17576681; PubMed 9536098.